The following is an entry in ClinVar:

ClinVar aggregate classification (germline): Likely benign. Review status: criteria provided, single submitter (1 of 4 stars). 2 submissions from 2 submitters: Likely benign (1). 1 of the submissions does not count toward it. Last evaluated 2023-09-14.

Conditions:
SLC9A1-related disorder. Also called: SLC9A1-related condition.

Allele frequency attached by ClinVar (database versions not stated): TOPMed 0.00003; 1000 Genomes Project 30x 0.00016; 1000 Genomes Project 0.00020; gnomAD 0.00021; ExAC 0.00049.
gnomAD v4.1: 301 of 1,611,388 alleles (0.019%); highest among the groups gnomAD compares: Non-Finnish European, 0.007%; 3 homozygotes.

Submissions (2):

Blueprint Genetics
Classification: Likely benign. Last evaluated: 2023-09-14. Review status: criteria provided, single submitter. Criteria: ACMG Guidelines, 2015. Collection method: clinical testing. Allele origin: germline.

PreventionGenetics, part of Exact Sciences
Classification: Likely benign for SLC9A1-related condition. Last evaluated: 2019-07-15. Review status: no assertion criteria provided. Collection method: clinical testing. Allele origin: germline. Not counted in ClinVar's aggregate classification.
Comment: This variant is classified as likely benign based on ACMG/AMP sequence variant interpretation guidelines (Richards et al. 2015 PMID: 25741868, with internal and published modifications).

NM_003047.5(SLC9A1):c.1725C>G (p.Ala575=)

Gene: SLC9A1 (solute carrier family 9 member A1; minus strand). Cytogenetic location: 1p36.11.
Variant type: single nucleotide variant.
Coding change: c.1725C>G on transcript NM_003047.5 (MANE Select); coding-DNA position 1725, C replaced by G.
Protein change: p.Ala575=; no amino-acid change (alanine 575 retained).
Molecular consequence: synonymous variant. On other transcripts: non-coding transcript variant (1).
Genome position (GRCh38, 1-based): chr1:27,102,480, G>C on the plus strand (C>G on the coding strand, the complement: SLC9A1 is on the minus strand). VCF-style: chr1-27102480-G-C. GRCh37 (hg19) VCF-style: chr1-27428971-G-C.
Identifiers: ClinVar variation 3042509 (VCV003042509.3), dbSNP rs202060037, ClinGen allele CA711009.